The following is an entry in ClinVar:

NM_020937.4(FANCM):c.564T>A (p.Phe188Leu)

Gene: FANCM (FA complementation group M; plus strand). Cytogenetic location: 14q21.2.
Variant type: single nucleotide variant.
Coding change: c.564T>A on transcript NM_020937.4 (MANE Select); coding-DNA position 564, T replaced by A.
Protein change: p.Phe188Leu; replaces phenylalanine 188 with leucine.
Molecular consequence: missense variant.
Genome position (GRCh38, 1-based): chr14:45,137,124, T>A. VCF-style: chr14-45137124-T-A. GRCh37 (hg19) VCF-style: chr14-45606327-T-A.
Other names: c.564T>A, p.Phe188Leu (NM_001308133.2, NM_001308134.2); short protein forms F188L.
Identifiers: ClinVar variation 5036561 (VCV005036561.1).

ClinVar aggregate classification (germline): Uncertain significance (1 of 4 stars; one submission).

Conditions:
Inborn genetic diseases. Identifiers: MedGen C0950123, MeSH D030342.

Submission:

Ambry Genetics
Classification: Uncertain significance for Inborn genetic diseases. Last evaluated: 2026-06-18. Review status: criteria provided, single submitter. Criteria: Ambry Variant Classification Scheme 2023. Collection method: clinical testing. Allele origin: germline.
Comment: The p.F188L variant (also known as c.564T>A), located in coding exon 2 of the FANCM gene, results from a T to A substitution at nucleotide position 564. The phenylalanine at codon 188 is replaced by leucine, an amino acid with highly similar properties. This amino acid position is conserved. In addition, this alteration is predicted to be tolerated by in silico analysis. Based on the available evidence, the clinical significance of this variant remains unclear.